The following is an entry in ClinVar:

ClinVar aggregate classification (germline): Likely benign (1 of 4 stars; one submission).

Conditions:
Peutz-Jeghers syndrome (PJS). Also called: POLYPOSIS, HAMARTOMATOUS INTESTINAL; POLYPS-AND-SPOTS SYNDROME; Peutz-Jeghers polyposis; Periorificial lentiginosis syndrome. Identifiers: Orphanet 2869, MedGen C0031269, MeSH D010580, MONDO:0008280, OMIM 175200.

Submission:

All of Us Research Program, National Institutes of Health
Classification: Likely benign for Peutz-Jeghers syndrome. Last evaluated: 2023-04-28. Review status: criteria provided, single submitter. Criteria: ACMG Guidelines, 2015. Collection method: clinical testing. Allele origin: germline. Inheritance: Autosomal dominant inheritance. Observed: 1 variant allele, 1 heterozygote.
Comment: This study involves interpretation of variants in research participants for the purpose of population health screening. Participant phenotype was not available at the time of variant classification. Additional details can be found in publication PMID: 35346344, PMCID: PMC8962531

NM_000455.5(STK11):c.165G>T (p.Leu55=)

Gene: STK11 (serine/threonine kinase 11; plus strand). Cytogenetic location: 19p13.3.
Variant type: single nucleotide variant.
Coding change: c.165G>T on transcript NM_000455.5 (MANE Select); coding-DNA position 165, G replaced by T.
Protein change: p.Leu55=; no amino-acid change (leucine 55 retained).
Molecular consequence: synonymous variant. On other transcripts: non-coding transcript variant (1).
Genome position (GRCh38, 1-based): chr19:1,207,078, G>T. VCF-style: chr19-1207078-G-T. GRCh37 (hg19) VCF-style: chr19-1207077-G-T.
Other names: c.165G>T, p.Leu55= (NM_001407255.1).
Identifiers: ClinVar variation 3070547 (VCV003070547.1), dbSNP rs781511279, ClinGen allele CA504706194.